The following is an entry in ClinVar:

NM_001271938.2(MEGF8):c.527C>G (p.Ala176Gly)

Gene: MEGF8 (multiple EGF like domains 8; plus strand). Cytogenetic location: 19q13.2.
Variant type: single nucleotide variant.
Coding change: c.527C>G on transcript NM_001271938.2 (MANE Select); coding-DNA position 527, C replaced by G.
Protein change: p.Ala176Gly; replaces alanine 176 with glycine.
Molecular consequence: missense variant.
Genome position (GRCh38, 1-based): chr19:42,334,182, C>G. VCF-style: chr19-42334182-C-G. GRCh37 (hg19) VCF-style: chr19-42838334-C-G.
Other names: c.527C>G, p.Ala176Gly (NM_001410.3); short protein forms A176G.
Identifiers: ClinVar variation 859294 (VCV000859294.10), dbSNP rs764246520, ClinGen allele CA9474188.

ClinVar aggregate classification (germline): Uncertain significance. Review status: criteria provided, multiple submitters, no conflicts (2 of 4 stars). 2 submissions from 2 submitters: Uncertain significance (2). Last evaluated 2023-10-06.

Conditions:
Inborn genetic diseases. Identifiers: MedGen C0950123, MeSH D030342.
MEGF8-related Carpenter syndrome. Also called: Carpenter syndrome 2. Identifiers: Orphanet 65759, MedGen C3554247, MONDO:0013998, OMIM 614976.

Allele frequency attached by ClinVar (database versions not stated): gnomAD 0.00001; TOPMed 0.00002; gnomAD exomes 0.00001 and 0.00002; ExAC 0.00004.
gnomAD v4.1: 15 of 1,605,688 alleles (0.00093%); highest among the groups gnomAD compares: East Asian, 0.025%; no homozygotes.

Submissions (2):

Ambry Genetics
Classification: Uncertain significance for Inborn genetic diseases. Last evaluated: 2023-10-06. Review status: criteria provided, single submitter. Criteria: Ambry Variant Classification Scheme 2023. Collection method: clinical testing. Allele origin: germline.

Labcorp Genetics (formerly Invitae), Labcorp
Classification: Uncertain significance for MEGF8-related Carpenter syndrome. Last evaluated: 2019-04-11. Review status: criteria provided, single submitter. Criteria: Invitae Variant Classification Sherloc (09022015). Collection method: clinical testing. Allele origin: germline.
Comment: In summary, the available evidence is currently insufficient to determine the role of this variant in disease. Therefore, it has been classified as a Variant of Uncertain Significance. Algorithms developed to predict the effect of missense changes on protein structure and function are either unavailable or do not agree on the potential impact of this missense change (SIFT: "Tolerated"; PolyPhen-2: "Possibly Damaging"; Align-GVGD: "Class C0"). This variant has not been reported in the literature in individuals with MEGF8-related conditions. This variant is present in population databases (rs764246520, ExAC 0.05%). This sequence change replaces alanine with glycine at codon 176 of the MEGF8 protein (p.Ala176Gly). The alanine residue is weakly conserved and there is a small physicochemical difference between alanine and glycine.